The following is an entry in ClinVar:

NM_001003694.2(BRPF1):c.506C>G (p.Ser169Cys)

Gene: BRPF1 (bromodomain and PHD finger containing 1; plus strand). Cytogenetic location: 3p25.3.
Variant type: single nucleotide variant.
Coding change: c.506C>G on transcript NM_001003694.2 (MANE Select); coding-DNA position 506, C replaced by G.
Protein change: p.Ser169Cys; replaces serine 169 with cysteine.
Molecular consequence: missense variant. On other transcripts: non-coding transcript variant (1).
Genome position (GRCh38, 1-based): chr3:9,734,646, C>G. VCF-style: chr3-9734646-C-G. GRCh37 (hg19) VCF-style: chr3-9776330-C-G.
Other names: c.506C>G, p.Ser169Cys (NM_001319049.2, NM_001319050.2, NM_001410704.1 and 1 more transcripts); short protein forms S169C.
Identifiers: ClinVar variation 2622203 (VCV002622203.18), dbSNP rs374585008, ClinGen allele CA69954590.

ClinVar aggregate classification (germline): Conflicting classifications of pathogenicity. Review status: criteria provided, conflicting classifications (1 of 4 stars). 2 submissions from 2 submitters: Uncertain significance (1); Likely benign (1). Last evaluated 2025-12-04.

Conditions:
Inborn genetic diseases. Identifiers: MedGen C0950123, MeSH D030342.

Allele frequency attached by ClinVar (database versions not stated): gnomAD exomes 0.00001; gnomAD 0.00002; TOPMed 0.00002; ESP Exome Variant Server 0.00008.
gnomAD v4.1: 27 of 1,614,040 alleles (0.0017%); highest among the groups gnomAD compares: Middle Eastern, 0.049%; no homozygotes.

Submissions (2):

Ambry Genetics
Classification: Uncertain significance for Inborn genetic diseases. Last evaluated: 2025-12-04. Review status: criteria provided, single submitter. Criteria: Ambry Variant Classification Scheme 2023. Collection method: clinical testing. Allele origin: germline.

CeGaT Center for Human Genetics Tuebingen
Classification: Likely benign. Last evaluated: 2024-08-01. Review status: criteria provided, single submitter. Criteria: CeGaT Center For Human Genetics Tuebingen Variant Classification Criteria Version 2. Collection method: clinical testing. Allele origin: germline. Affected: yes. Observed: 2 variant alleles.
Comment: BRPF1: BP4